The following is an entry in ClinVar:

NM_001023.4(RPS20):c.143T>C (p.Leu48Pro)

Gene: RPS20 (ribosomal protein S20; minus strand). Cytogenetic location: 8q12.1.
Variant type: single nucleotide variant.
Coding change: c.143T>C on transcript NM_001023.4 (MANE Select); coding-DNA position 143, T replaced by C.
Protein change: p.Leu48Pro; replaces leucine 48 with proline.
Molecular consequence: missense variant.
Genome position (GRCh38, 1-based): chr8:56,073,729, A>G on the plus strand (T>C on the coding strand, the complement: RPS20 is on the minus strand). VCF-style: chr8-56073729-A-G. GRCh37 (hg19) VCF-style: chr8-56986288-A-G.
Other names: c.143T>C, p.Leu48Pro (NM_001146227.3); short protein forms L48P.
Identifiers: ClinVar variation 1772685 (VCV001772685.2), dbSNP rs2486983982, ClinGen allele CA371283550.

ClinVar aggregate classification (germline): Uncertain significance (1 of 4 stars; one submission).

Submission:

Ambry Genetics
Classification: Uncertain significance. Last evaluated: 2022-05-09. Review status: criteria provided, single submitter. Criteria: Ambry Variant Classification Scheme 2023. Collection method: clinical testing. Allele origin: germline.
Comment: The p.L48P variant (also known as c.143T>C), located in coding exon 3 of the RPS20 gene, results from a T to C substitution at nucleotide position 143. The leucine at codon 48 is replaced by proline, an amino acid with similar properties. This amino acid position is conserved. In addition, this alteration is predicted to be deleterious by in silico analysis. Since supporting evidence is limited at this time, the clinical significance of this alteration remains unclear.